The following is an entry in ClinVar:

NM_005475.3(SH2B3):c.794G>T (p.Arg265Leu)

Gene: SH2B3 (SH2B adaptor protein 3; plus strand). Cytogenetic location: 12q24.12.
Variant type: single nucleotide variant.
Coding change: c.794G>T on transcript NM_005475.3 (MANE Select); coding-DNA position 794, G replaced by T.
Protein change: p.Arg265Leu; replaces arginine 265 with leucine.
Molecular consequence: missense variant.
Genome position (GRCh38, 1-based): chr12:111,446,814, G>T. VCF-style: chr12-111446814-G-T. GRCh37 (hg19) VCF-style: chr12-111884618-G-T.
Other names: c.188G>T, p.Arg63Leu (NM_001291424.1); short protein forms R265L, R63L.
Identifiers: ClinVar variation 4864455 (VCV004864455.1).

ClinVar aggregate classification (germline): Uncertain significance (1 of 4 stars; one submission).

Conditions:
Inborn genetic diseases. Identifiers: MedGen C0950123, MeSH D030342.

Submission:

Ambry Genetics
Classification: Uncertain significance for Inborn genetic diseases. Last evaluated: 2026-05-24. Review status: criteria provided, single submitter. Criteria: Ambry Variant Classification Scheme 2023. Collection method: clinical testing. Allele origin: germline.
Comment: The p.R265L variant (also known as c.794G>T), located in coding exon 2 of the SH2B3 gene, results from a G to T substitution at nucleotide position 794. The arginine at codon 265 is replaced by leucine, an amino acid with dissimilar properties. This amino acid position is conserved. In addition, the in silico prediction for this alteration is inconclusive. Based on the available evidence, the clinical significance of this variant remains unclear.